The following is an entry in ClinVar:

NM_000548.5(TSC2):c.2545+3G>C

Gene: TSC2 (TSC complex subunit 2; plus strand). Cytogenetic location: 16p13.3.
Variant type: single nucleotide variant.
Coding change: c.2545+3G>C on transcript NM_000548.5 (MANE Select); 3 bases into the intron after coding-DNA position 2545, G replaced by C.
Molecular consequence: intron variant.
Genome position (GRCh38, 1-based): chr16:2,074,392, G>C. VCF-style: chr16-2074392-G-C. GRCh37 (hg19) VCF-style: chr16-2124393-G-C.
Other names: c.1201+3G>C (NM_001406693.1, NM_001406689.1, NM_001406690.1 and 6 more transcripts); c.2635+3G>C (NM_001406667.1, NM_001406668.1); c.1945+3G>C (NM_001406680.1, NM_001406683.1, NM_001406687.1 and 6 more transcripts); c.943+3G>C (NM_001406698.1); c.2545+3G>C (NM_001114382.3, NM_001406663.1, NM_001406664.1 and 6 more transcripts); c.2533+3G>C (NM_001406671.1, NM_001406673.1); c.2083+3G>C (NM_001406681.1); c.2434+3G>C (NM_001406670.1, NM_001318827.2, NM_001406678.1); and 3 more.
Identifiers: ClinVar variation 3385299 (VCV003385299.3).
Genomic context (GRCh38, chr16:2,074,392, plus strand): 5'-CTCACGCACATCTCAGCCACAGCCAGCATGGCCGTCCCACTGCTGGAGTTCCTGTCCAGT[G>C]AGTCCCCGCCCTGCCTGCGCATGCACCCGAGAGGTTCGGGCTGTGTAACCTGTGCGGGCT-3'

ClinVar aggregate classification (germline): Uncertain significance (1 of 4 stars; one submission).

Submission:

Women's Health and Genetics/Laboratory Corporation of America, LabCorp
Classification: Uncertain significance. Last evaluated: 2025-01-09. Review status: criteria provided, single submitter. Criteria: LabCorp Variant Classification Summary - May 2015. Collection method: clinical testing. Allele origin: germline.
Comment: Variant summary: TSC2 c.2545+3G>C alters a non-conserved nucleotide located close to a canonical splice site and therefore could affect mRNA splicing, leading to a significantly altered protein sequence. Several computational tools predict a significant impact on normal splicing: two predict the variant abolishes the canonical 5' splicing donor site, while two predict the variant weakens this donor site (almost completely abolishing it). However, these predictions have yet to be confirmed by functional studies. The variant was absent in 247478 control chromosomes (gnomAD). To our knowledge, no experimental evidence demonstrating an impact on protein function has been reported. ClinVar contains an entry for this variant (Variation ID: 3385299). Based on the evidence outlined above, the variant was classified as VUS-possibly pathogenic.